The following is an entry in ClinVar:

NM_000246.4(CIITA):c.2551G>A (p.Ala851Thr)

Gene: CIITA (class II major histocompatibility complex transactivator; plus strand). Cytogenetic location: 16p13.13.
Variant type: single nucleotide variant.
Coding change: c.2551G>A on transcript NM_000246.4 (MANE Select); coding-DNA position 2551, G replaced by A.
Protein change: p.Ala851Thr; replaces alanine 851 with threonine.
Molecular consequence: missense variant. On other transcripts: intron variant (1).
Genome position (GRCh38, 1-based): chr16:10,908,043, G>A. VCF-style: chr16-10908043-G-A. GRCh37 (hg19) VCF-style: chr16-11001900-G-A.
Other names: c.2554G>A, p.Ala852Thr (NM_001286402.1, NM_001379332.1); c.2407G>A, p.Ala803Thr (NM_001379330.1); c.2404G>A, p.Ala802Thr (NM_001379331.1); c.2551G>A, p.Ala851Thr (NM_001379333.1); c.2482G>A, p.Ala828Thr (NM_001379334.1); c.860-940G>A (NM_001286403.2); short protein forms A851T, A852T, A802T, A803T, A828T.
Identifiers: ClinVar variation 850664 (VCV000850664.8), dbSNP rs1007429981, ClinGen allele CA277748249.

ClinVar aggregate classification (germline): Uncertain significance (1 of 4 stars; one submission).

Conditions:
MHC class II deficiency. Also called: Bare lymphocyte syndrome 2; BLS, TYPE II. Identifiers: Orphanet 572, MedGen C5447452, MONDO:0008855.

Allele frequency attached by ClinVar (database versions not stated): gnomAD 0.00001; TOPMed 0.00001.
gnomAD v4.1: 2 of 1,613,542 alleles (0.00012%); highest among the groups gnomAD compares: Non-Finnish European, 0.00017%; no homozygotes.

Submission:

Labcorp Genetics (formerly Invitae), Labcorp
Classification: Uncertain significance for MHC class II deficiency. Last evaluated: 2025-12-24. Review status: criteria provided, single submitter. Criteria: Invitae Variant Classification Sherloc (09022015). Collection method: clinical testing. Allele origin: germline.
Comment: This sequence change replaces alanine, which is neutral and non-polar, with threonine, which is neutral and polar, at codon 851 of the CIITA protein (p.Ala851Thr). This variant is not present in population databases (gnomAD no frequency). This variant has not been reported in the literature in individuals affected with CIITA-related conditions. ClinVar contains an entry for this variant (Variation ID: 850664). An algorithm developed to predict the effect of missense changes on protein structure and function outputs the following: PolyPhen-2: "Benign". The threonine amino acid residue is found in multiple mammalian species, which suggests that this missense change does not adversely affect protein function. In summary, the available evidence is currently insufficient to determine the role of this variant in disease. Therefore, it has been classified as a Variant of Uncertain Significance.